The following is an entry in ClinVar:

NM_015693.4(INTU):c.811A>T (p.Thr271Ser)

Gene: INTU (inturned planar cell polarity protein; plus strand). Cytogenetic location: 4q28.1.
Variant type: single nucleotide variant.
Coding change: c.811A>T on transcript NM_015693.4 (MANE Select); coding-DNA position 811, A replaced by T.
Protein change: p.Thr271Ser; replaces threonine 271 with serine.
Molecular consequence: missense variant.
Genome position (GRCh38, 1-based): chr4:127,663,423, A>T. VCF-style: chr4-127663423-A-T. GRCh37 (hg19) VCF-style: chr4-128584578-A-T.
Other names: short protein forms T271S.
Identifiers: ClinVar variation 2958001 (VCV002958001.3), dbSNP rs759352629, ClinGen allele CA3074904.

ClinVar aggregate classification (germline): Uncertain significance (1 of 4 stars; one submission).

Allele frequency attached by ClinVar (database versions not stated): gnomAD exomes below 0.00001; TOPMed below 0.00001; ExAC 0.00001; gnomAD 0.00001.
gnomAD v4.1: 3 of 1,613,130 alleles (0.00019%); highest among the groups gnomAD compares: Admixed American, 0.005%; no homozygotes.

Submission:

Labcorp Genetics (formerly Invitae), Labcorp
Classification: Uncertain significance. Last evaluated: 2024-02-02. Review status: criteria provided, single submitter. Criteria: Invitae Variant Classification Sherloc (09022015). Collection method: clinical testing. Allele origin: germline.
Comment: This sequence change replaces threonine, which is neutral and polar, with serine, which is neutral and polar, at codon 271 of the INTU protein (p.Thr271Ser). This variant is present in population databases (rs759352629, gnomAD 0.006%). This variant has not been reported in the literature in individuals affected with INTU-related conditions. Advanced modeling of protein sequence and biophysical properties (such as structural, functional, and spatial information, amino acid conservation, physicochemical variation, residue mobility, and thermodynamic stability) performed at Invitae indicates that this missense variant is not expected to disrupt INTU protein function with a negative predictive value of 80%. In summary, the available evidence is currently insufficient to determine the role of this variant in disease. Therefore, it has been classified as a Variant of Uncertain Significance.